The following is an entry in ClinVar:

ClinVar aggregate classification (germline): Likely benign. Review status: criteria provided, multiple submitters, no conflicts (2 of 4 stars). 7 submissions from 7 submitters: Likely benign (7). Last evaluated 2026-01-19.

Conditions:
Age related macular degeneration 1 (ARMD1). Also called: MACULOPATHY, AGE-RELATED, 1. Identifiers: MedGen C1864205, MONDO:0011285, OMIM 603075.

Allele frequency attached by ClinVar (database versions not stated): gnomAD exomes 0.00120; ExAC 0.00142; ESP Exome Variant Server 0.00254; gnomAD 0.00295; TOPMed 0.00361; 1000 Genomes Project 0.00399; 1000 Genomes Project 30x 0.00531.
gnomAD v4.1: 1,046 of 1,612,852 alleles (0.065%); highest among the groups gnomAD compares: African/African-American, 0.74%; 6 homozygotes.

Submissions (7):

Labcorp Genetics (formerly Invitae), Labcorp
Classification: Likely benign. Last evaluated: 2026-01-19. Review status: criteria provided, single submitter. Criteria: Invitae Variant Classification Sherloc (09022015). Collection method: clinical testing. Allele origin: germline.

Genomic Medicine Center of Excellence, King Faisal Specialist Hospital and Research Centre
Classification: Likely benign. Last evaluated: 2025-08-18. Review status: criteria provided, single submitter. Criteria: ACMG Guidelines, 2015. Collection method: clinical testing. Allele origin: germline.

Blueprint Genetics
Classification: Likely benign. Last evaluated: 2024-09-10. Review status: criteria provided, single submitter. Criteria: ACMG Guidelines, 2015. Collection method: clinical testing. Allele origin: germline.

Genome-Nilou Lab
Classification: Likely benign for Age related macular degeneration 1. Last evaluated: 2023-04-11. Review status: criteria provided, single submitter. Criteria: ACMG Guidelines, 2015. Collection method: clinical testing. Allele origin: germline. Affected: no.

CeGaT Center for Human Genetics Tuebingen
Classification: Likely benign. Last evaluated: 2022-11-01. Review status: criteria provided, single submitter. Criteria: CeGaT Center For Human Genetics Tuebingen Variant Classification Criteria Version 2. Collection method: clinical testing. Allele origin: germline. Affected: yes. Observed: 1 variant allele.
Comment: HMCN1: BP4, BS2

Illumina Laboratory Services, Illumina
Classification: Likely benign for Age related macular degeneration 1. Last evaluated: 2018-01-12. Review status: criteria provided, single submitter. Criteria: ICSL Variant Classification Criteria 13 December 2019. Collection method: clinical testing. Allele origin: germline.
Comment: This variant was observed in the ICSL laboratory as part of a predisposition screen in an ostensibly healthy population. It had not been previously curated by ICSL or reported in the Human Gene Mutation Database (HGMD: prior to June 1st, 2018), and was therefore a candidate for classification through an automated scoring system. Utilizing variant allele frequency, disease prevalence and penetrance estimates, and inheritance mode, an automated score was calculated to assess if this variant is too frequent to cause the disease. Based on the score and internal cut-off values, a variant classified as likely benign is not then subjected to further curation. The score for this variant resulted in a classification of likely benign for this disease.

Breakthrough Genomics
Classification: Likely benign. Review status: criteria provided, single submitter. Criteria: ACMG Guidelines, 2015. Collection method: not provided. Allele origin: germline. Inheritance: Autosomal dominant inheritance. Affected: yes.

NM_031935.3(HMCN1):c.785A>G (p.Asn262Ser)

Gene: HMCN1 (hemicentin 1; plus strand). Cytogenetic location: 1q31.1.
Variant type: single nucleotide variant.
Coding change: c.785A>G on transcript NM_031935.3 (MANE Select); coding-DNA position 785, A replaced by G.
Protein change: p.Asn262Ser; replaces asparagine 262 with serine.
Molecular consequence: missense variant.
Genome position (GRCh38, 1-based): chr1:185,909,500, A>G. VCF-style: chr1-185909500-A-G. GRCh37 (hg19) VCF-style: chr1-185878632-A-G.
Other names: short protein forms N262S.
Identifiers: ClinVar variation 294100 (VCV000294100.40), dbSNP rs60502467, ClinGen allele CA1290934.